The following is an entry in ClinVar:

NM_001561.6(TNFRSF9):c.115A>G (p.Asn39Asp)

Gene: TNFRSF9 (TNF receptor superfamily member 9; minus strand). Cytogenetic location: 1p36.23.
Variant type: single nucleotide variant.
Coding change: c.115A>G on transcript NM_001561.6 (MANE Select); coding-DNA position 115, A replaced by G.
Protein change: p.Asn39Asp; replaces asparagine 39 with aspartic acid.
Molecular consequence: missense variant.
Genome position (GRCh38, 1-based): chr1:7,938,814, T>C on the plus strand (A>G on the coding strand, the complement: TNFRSF9 is on the minus strand). VCF-style: chr1-7938814-T-C. GRCh37 (hg19) VCF-style: chr1-7998874-T-C.
Other names: c.115A>G (NM_001561.5); short protein forms N39D.
Identifiers: ClinVar variation 1464494 (VCV001464494.7), dbSNP rs1173865364, ClinGen allele CA338160905.
Genomic context (GRCh38, chr1:7,938,814, plus strand): 5'-GTCCACCTGCGCTGGAGAAACTATTTGGAGGACAGGGACTGCAAATCTGATTCCTGTTAT[T>C]ATCACAGAATGTACCTAAGAAAGGCAGACAATAGTGGTACACGTTTGACAATGGGCAATC-3'
Protein context (NP_001552.2, residues 29-49): SNCPAGTFCD[Asn39Asp]NRNQICSPCP

ClinVar aggregate classification (germline): Uncertain significance. Review status: criteria provided, multiple submitters, no conflicts (2 of 4 stars). 2 submissions from 2 submitters: Uncertain significance (2). Last evaluated 2025-05-20.

Conditions:
Inborn genetic diseases. Identifiers: MedGen C0950123, MeSH D030342.

Allele frequency attached by ClinVar (database versions not stated): gnomAD exomes below 0.00001; TOPMed 0.00002.
gnomAD v4.1: 3 of 1,612,928 alleles (0.00019%); highest among the groups gnomAD compares: Non-Finnish European, 0.00025%; no homozygotes.

Submissions (2):

Ambry Genetics
Classification: Uncertain significance for Inborn genetic diseases. Last evaluated: 2025-05-20. Review status: criteria provided, single submitter. Criteria: Ambry Variant Classification Scheme 2023. Collection method: clinical testing. Allele origin: germline.

Labcorp Genetics (formerly Invitae), Labcorp
Classification: Uncertain significance. Last evaluated: 2024-02-23. Review status: criteria provided, single submitter. Criteria: Invitae Variant Classification Sherloc (09022015). Collection method: clinical testing. Allele origin: germline.
Comment: This sequence change replaces asparagine, which is neutral and polar, with aspartic acid, which is acidic and polar, at codon 39 of the TNFRSF9 protein (p.Asn39Asp). This variant is not present in population databases (gnomAD no frequency). This variant has not been reported in the literature in individuals affected with TNFRSF9-related conditions. ClinVar contains an entry for this variant (Variation ID: 1464494). An algorithm developed to predict the effect of missense changes on protein structure and function (PolyPhen-2) suggests that this variant is likely to be tolerated. In summary, the available evidence is currently insufficient to determine the role of this variant in disease. Therefore, it has been classified as a Variant of Uncertain Significance.